The following is an entry in ClinVar:

ClinVar aggregate classification (germline): Uncertain significance (1 of 4 stars; one submission).

Allele frequency attached by ClinVar (database versions not stated): gnomAD exomes below 0.00001; TOPMed below 0.00001; gnomAD 0.00001.
gnomAD v4.1: 3 of 1,597,528 alleles (0.00019%); highest among the groups gnomAD compares: Non-Finnish European, 0.00026%; no homozygotes.

Submission:

GeneDx
Classification: Uncertain significance. Last evaluated: 2022-08-11. Review status: criteria provided, single submitter. Criteria: GeneDx Variant Classification Process June 2021. Collection method: clinical testing. Allele origin: germline. Affected: yes.
Comment: Not observed at significant frequency in large population cohorts (gnomAD); In silico analysis supports that this missense variant has a deleterious effect on protein structure/function; Has not been previously published as pathogenic or benign to our knowledge

NM_001127178.3(PIGG):c.2568T>G (p.Phe856Leu)

Gene: PIGG (phosphatidylinositol glycan anchor biosynthesis class G (EMM blood group); plus strand). Cytogenetic location: 4p16.3.
Variant type: single nucleotide variant.
Coding change: c.2568T>G on transcript NM_001127178.3 (MANE Select); coding-DNA position 2568, T replaced by G.
Protein change: p.Phe856Leu; replaces phenylalanine 856 with leucine.
Molecular consequence: missense variant. On other transcripts: non-coding transcript variant (6).
Genome position (GRCh38, 1-based): chr4:530,742, T>G. VCF-style: chr4-530742-T-G. GRCh37 (hg19) VCF-style: chr4-524531-T-G.
Other names: c.2301T>G, p.Phe767Leu (NM_001289051.2, NM_001345986.2); c.2169T>G, p.Phe723Leu (NM_001289052.2); c.2277T>G, p.Phe759Leu (NM_001345987.2); c.1539T>G, p.Phe513Leu (NM_001345988.2); c.1035T>G, p.Phe345Leu (NM_001345990.2, NM_001345991.2); c.1470T>G, p.Phe490Leu (NM_001345994.2); c.2544T>G, p.Phe848Leu (NM_017733.5); short protein forms F345L, F490L, F513L, F723L, F759L, F767L, F848L, F856L.
Identifiers: ClinVar variation 2429664 (VCV002429664.1), dbSNP rs1728848974, ClinGen allele CA355910452.